The following is an entry in ClinVar:

NM_000179.3(MSH6):c.406G>A (p.Asp136Asn)

Gene: MSH6 (mutS homolog 6; plus strand). Cytogenetic location: 2p16.3.
Variant type: single nucleotide variant.
Coding change: c.406G>A on transcript NM_000179.3 (MANE Select); coding-DNA position 406, G replaced by A.
Protein change: p.Asp136Asn; replaces aspartic acid 136 with asparagine.
Molecular consequence: missense variant. On other transcripts: 5 prime UTR variant (2), intron variant (1).
Genome position (GRCh38, 1-based): chr2:47,791,072, G>A. VCF-style: chr2-47791072-G-A. GRCh37 (hg19) VCF-style: chr2-48018211-G-A.
Other names: c.-331G>A (NM_001281493.2); c.-497G>A (NM_001281494.2); c.238-7539G>A (NM_001281492.2); short protein forms D136N.
Identifiers: ClinVar variation 1405670 (VCV001405670.8), dbSNP rs2104108904, ClinGen allele CA346737103.

ClinVar aggregate classification (germline): Uncertain significance (1 of 4 stars; one submission).

Conditions:
Hereditary nonpolyposis colorectal neoplasms. Identifiers: MedGen C0009405, MeSH D003123.

Submission:

Labcorp Genetics (formerly Invitae), Labcorp
Classification: Uncertain significance for Hereditary nonpolyposis colorectal neoplasms. Last evaluated: 2021-01-29. Review status: criteria provided, single submitter. Criteria: Invitae Variant Classification Sherloc (09022015). Collection method: clinical testing. Allele origin: germline.
Comment: This sequence change replaces aspartic acid with asparagine at codon 136 of the MSH6 protein (p.Asp136Asn). The aspartic acid residue is moderately conserved and there is a small physicochemical difference between aspartic acid and asparagine. This variant is not present in population databases (ExAC no frequency). This variant has not been reported in the literature in individuals with MSH6-related conditions. Advanced modeling of protein sequence and biophysical properties (such as structural, functional, and spatial information, amino acid conservation, physicochemical variation, residue mobility, and thermodynamic stability) performed at Invitae indicates that this missense variant is not expected to disrupt MSH6 protein function. In summary, the available evidence is currently insufficient to determine the role of this variant in disease. Therefore, it has been classified as a Variant of Uncertain Significance.